The following is an entry in ClinVar:

ClinVar aggregate classification (germline): Pathogenic (1 of 4 stars; one submission).

Conditions:
Spastic ataxia 2. Also called: Ataxia, spastic, 2, autosomal recessive. Identifiers: Orphanet 397946, MedGen C1969796, MONDO:0012651, OMIM 611302.

Submission:

Labcorp Genetics (formerly Invitae), Labcorp
Classification: Pathogenic for Spastic ataxia 2. Last evaluated: 2023-03-31. Review status: criteria provided, single submitter. Criteria: Invitae Variant Classification Sherloc (09022015). Collection method: clinical testing. Allele origin: germline.
Comment: For these reasons, this variant has been classified as Pathogenic. This variant has not been reported in the literature in individuals affected with KIF1C-related conditions. This variant is not present in population databases (gnomAD no frequency). This sequence change creates a premature translational stop signal (p.Glu466Serfs*12) in the KIF1C gene. It is expected to result in an absent or disrupted protein product. Loss-of-function variants in KIF1C are known to be pathogenic (PMID: 24319291, 24482476).

Literature cited by the submitters: PubMed 24319291; PubMed 24482476.

NM_006612.6(KIF1C):c.1396_1397del (p.Glu466fs)

Gene: KIF1C (kinesin family member 1C; plus strand). Cytogenetic location: 17p13.2.
Variant type: Deletion.
Coding change: c.1396_1397del on transcript NM_006612.6 (MANE Select); coding-DNA positions 1396 to 1397, 2 bases deleted (GA; older notation c.1396_1397delGA).
Protein change: p.Glu466fs; shifts the reading frame from glutamic acid 466.
Molecular consequence: frameshift variant.
Genome position (GRCh38, 1-based): chr17:5,007,323-5,007,324, GA deleted; deleting any 2 consecutive bases within chr17:5,007,322-5,007,324 gives the same sequence; the c. name uses the placement nearest the transcript's 3' end. VCF-style (leftmost placement, unchanged base first): chr17-5007321-CAG-C. GRCh37 (hg19) VCF-style: chr17-4910616-CAG-C.
Other names: short protein forms E466fs.
Identifiers: ClinVar variation 2851191 (VCV002851191.3), dbSNP rs2508162210, ClinGen allele CA2739267069.
Genomic context (GRCh38, chr17:5,007,321, plus strand): 5'-AGGAGACAGAGAAGATTATAGCTGAGCTGAACGAGACATGGGAGGAGAAGCTACGCAAGA[CAG>C]AAGCCCTGAGGATGGAGAGGTGTGAGGGCCGACAGTTGGGGTCCTGGGTGGAGTTGGAGG-3'